The following is an entry in ClinVar:

ClinVar aggregate classification (germline): Benign. Review status: criteria provided, multiple submitters, no conflicts (2 of 4 stars). 3 submissions from 3 submitters: Benign (2). 1 of the submissions does not count toward it. Last evaluated 2026-02-03.

Conditions:
CRAT-related disorder. Also called: CRAT-related condition.

Allele frequency attached by ClinVar (database versions not stated): ESP Exome Variant Server 0.11175; TOPMed 0.12329; 1000 Genomes Project 0.14317; 1000 Genomes Project 30x 0.14475.

Submissions (3):

Labcorp Genetics (formerly Invitae), Labcorp
Classification: Benign. Last evaluated: 2026-02-03. Review status: criteria provided, single submitter. Criteria: Invitae Variant Classification Sherloc (09022015). Collection method: clinical testing. Allele origin: germline.

Breakthrough Genomics
Classification: Benign. Review status: criteria provided, single submitter. Criteria: ACMG Guidelines, 2015. Collection method: not provided. Allele origin: germline. Inheritance: Autosomal recessive inheritance. Affected: yes.

PreventionGenetics, part of Exact Sciences
Classification: Benign for CRAT-related condition. Last evaluated: 2019-11-06. Review status: no assertion criteria provided. Collection method: clinical testing. Allele origin: germline. Not counted in ClinVar's aggregate classification.
Comment: This variant is classified as benign based on ACMG/AMP sequence variant interpretation guidelines (Richards et al. 2015 PMID: 25741868, with internal and published modifications).

NM_000755.5(CRAT):c.354G>C (p.Ser118=)

Gene: CRAT (carnitine O-acetyltransferase; minus strand). Cytogenetic location: 9q34.11.
Variant type: single nucleotide variant.
Coding change: c.354G>C on transcript NM_000755.5 (MANE Select); coding-DNA position 354, G replaced by C.
Protein change: p.Ser118=; no amino-acid change (serine 118 retained).
Molecular consequence: synonymous variant.
Genome position (GRCh38, 1-based): chr9:129,104,244, C>G on the plus strand (G>C on the coding strand, the complement: CRAT is on the minus strand). VCF-style: chr9-129104244-C-G. GRCh37 (hg19) VCF-style: chr9-131866523-C-G.
Other names: c.354G>C (NM_000755.4); c.291G>C, p.Ser97= (NM_001257363.3, NM_001346548.2, NM_004003.4); c.357G>C, p.Ser119= (NM_001346546.2); c.354G>C, p.Ser118= (NM_001346547.2); c.234G>C, p.Ser78= (NM_001346549.2).
Identifiers: ClinVar variation 1168369 (VCV001168369.12), dbSNP rs2228304, ClinGen allele CA5275791.